The following is an entry in ClinVar:

ClinVar aggregate classification (germline): Uncertain significance (1 of 4 stars; one submission).

Conditions:
Neurodevelopmental disorder with hypotonia and variable intellectual and behavioral abnormalities. Identifiers: MedGen C5231423, MONDO:0032829, OMIM 618603.

Allele frequency attached by ClinVar (database versions not stated): gnomAD exomes below 0.00001.

Submission:

Clinical Genomics Laboratory, Washington University in St. Louis
Classification: Uncertain significance for Neurodevelopmental disorder with hypotonia and variable intellectual and behavioral abnormalities. Last evaluated: 2024-02-03. Review status: criteria provided, single submitter. Criteria: ACMG Guidelines, 2015. Collection method: clinical testing. Allele origin: germline.
Comment: The POLR2A c.430G>T (p.Val144Phe) variant, to our knowledge, has not been reported in the medical literature and is absent from the general population (gnomAD v.2.1.1), indicating it is not a common variant. This codon does not occur in a known functional domain and MutScore indicates there is a significant clustering of frequent gnomAD missense variants in this region (Quinodoz M et al., PMID: 35120630). Computational predictors are uncertain as to the impact of this variant on POLR2A function. Due to limited information, and based on ACMG/AMP guidelines for variant interpretation (Richards S et al., PMID: 25741868), the clinical significance of this variant is uncertain at this time.

NM_000937.5(POLR2A):c.430G>T (p.Val144Phe)

Gene: POLR2A (RNA polymerase II subunit A; plus strand). Cytogenetic location: 17p13.1.
Variant type: single nucleotide variant.
Coding change: c.430G>T on transcript NM_000937.5 (MANE Select); coding-DNA position 430, G replaced by T.
Protein change: p.Val144Phe; replaces valine 144 with phenylalanine.
Molecular consequence: missense variant.
Genome position (GRCh38, 1-based): chr17:7,496,506, G>T. VCF-style: chr17-7496506-G-T. GRCh37 (hg19) VCF-style: chr17-7399825-G-T.
Other names: short protein forms V144F.
Identifiers: ClinVar variation 3236599 (VCV003236599.1), dbSNP rs2508104941, ClinGen allele CA397858876.